The following is an entry in ClinVar:

ClinVar aggregate classification (germline): Uncertain significance (1 of 4 stars; one submission).

Conditions:
Intellectual developmental disorder with speech delay, dysmorphic facies, and t-cell abnormalities. Also called: BCL11B-related BAFopathy. Identifiers: Orphanet 662829, MedGen C4748152, MONDO:0060763, OMIM 618092.

Allele frequency attached by ClinVar (database versions not stated): TOPMed below 0.00001; gnomAD 0.00001; gnomAD exomes 0.00001.
gnomAD v4.1: 16 of 1,613,990 alleles (0.00099%); highest among the groups gnomAD compares: African/African-American, 0.0013%; no homozygotes.

Submission:

Victorian Clinical Genetics Services, Murdoch Childrens Research Institute
Classification: Uncertain significance for Intellectual developmental disorder with speech delay, dysmorphic facies, and t-cell abnormalities. Last evaluated: 2023-07-16. Review status: criteria provided, single submitter. Criteria: ACMG Guidelines, 2015. Collection method: clinical testing. Allele origin: germline. Inheritance: Autosomal dominant inheritance. Affected: yes.
Comment: Based on the classification scheme VCGS_Germline_v1.3.4, this variant is classified as VUS-3B. Following criteria are met: 0102 - Loss of function is a known mechanism of disease in this gene and is associated with intellectual developmental disorder with dysmorphic facies, speech delay, and T-cell abnormalities (MIM#618092). Dominant negative has also been suggested as a mechanism of disease (PMID:27959755, 29985992). (I) 0107 - This gene is associated with autosomal dominant disease. (I) 0200 - Variant is predicted to result in a missense amino acid change from proline to alanine. (I) 0251 - This variant is heterozygous. (I) 0302 - Variant is present in gnomAD (v3) <0.001 for a dominant condition (1 heterozygote, 0 homozygotes). (SP) 0309 - An alternative amino acid change at the same position has been observed in gnomAD (v2) (8 heterozygotes, 0 homozygotes). (I) 0502 - Missense variant with conflicting in silico predictions and uninformative conservation. (I) 0604 - Variant is not located in an established domain, motif, hotspot or informative constraint region. (I) 0710 - Another missense variant comparable to the one identified in this case has inconclusive previous evidence for pathogenicity. p.(Pro112Leu) has been classified as a VUS by a clinical laboratory in ClinVar. (I) 0807 - This variant has no previous evidence of pathogenicity. (I) 0905 - No published segregation evidence has been identified for this variant. (I) 1007 - No published functional evidence has been identified for this variant. (I) 1208 - Inheritance information for this variant is not currently available in this individual. (I) Legend: (SP) - Supporting pathogenic, (I) - Information, (SB) - Supporting benign

Literature cited by the submitters: PubMed 27959755; PubMed 29985992.

NM_138576.4(BCL11B):c.334C>G (p.Pro112Ala)

Gene: BCL11B (BCL11 transcription factor B; minus strand). Cytogenetic location: 14q32.2.
Variant type: single nucleotide variant.
Coding change: c.334C>G on transcript NM_138576.4 (MANE Select); coding-DNA position 334, C replaced by G.
Protein change: p.Pro112Ala; replaces proline 112 with alanine.
Molecular consequence: missense variant.
Genome position (GRCh38, 1-based): chr14:99,257,564, G>C on the plus strand (C>G on the coding strand, the complement: BCL11B is on the minus strand). VCF-style: chr14-99257564-G-C. GRCh37 (hg19) VCF-style: chr14-99723901-G-C.
Other names: c.331C>G, p.Pro111Ala (NM_001282237.2, NM_001282238.2); c.334C>G, p.Pro112Ala (NM_022898.3); short protein forms P111A, P112A.
Identifiers: ClinVar variation 3254643 (VCV003254643.1), dbSNP rs1477343612.